The following is an entry in ClinVar:

ClinVar aggregate classification (germline): Likely benign (0 of 4 stars; one submission).

Conditions:
MEPE-related disorder. Also called: MEPE-related condition.

Allele frequency attached by ClinVar (database versions not stated): gnomAD exomes 0.00042; TOPMed 0.00082; ESP Exome Variant Server 0.00085; gnomAD 0.00092; ExAC 0.00124; 1000 Genomes Project 0.00359; 1000 Genomes Project 30x 0.00375.
gnomAD v4.1: 765 of 1,612,294 alleles (0.047%); highest among the groups gnomAD compares: South Asian, 0.51%; 6 homozygotes.

Submission:

PreventionGenetics, part of Exact Sciences
Classification: Likely benign for MEPE-related condition. Last evaluated: 2020-01-07. Review status: no assertion criteria provided. Collection method: clinical testing. Allele origin: germline.
Comment: This variant is classified as likely benign based on ACMG/AMP sequence variant interpretation guidelines (Richards et al. 2015 PMID: 25741868, with internal and published modifications).

NM_020203.6(MEPE):c.177A>G (p.Ser59=)

Genes: MEPE (matrix extracellular phosphoglycoprotein; plus strand), MEPE-AS1 (MEPE and IBSP antisense RNA 1; minus strand). Cytogenetic location: 4q22.1.
Variant type: single nucleotide variant.
Coding change: c.177A>G on transcript NM_020203.6 (MANE Select); coding-DNA position 177, A replaced by G.
Protein change: p.Ser59=; no amino-acid change (serine 59 retained).
Molecular consequence: synonymous variant. On other transcripts: 5 prime UTR variant (3).
Genome position (GRCh38, 1-based): chr4:87,845,045, A>G. VCF-style: chr4-87845045-A-G. GRCh37 (hg19) VCF-style: chr4-88766197-A-G.
Other names: c.177A>G, p.Ser59= (NM_001184694.3); c.-163A>G (NM_001184695.4, NM_001184696.2, NM_001184697.2); c.270A>G, p.Ser90= (NM_001291183.2).
Identifiers: ClinVar variation 3042673 (VCV003042673.2), dbSNP rs141864614, ClinGen allele CA3002618.